The following is an entry in ClinVar:

NM_006767.4(LZTR1):c.1480del (p.Arg494fs)

Gene: LZTR1 (leucine zipper like post translational regulator 1; plus strand). Cytogenetic location: 22q11.21.
Variant type: Deletion.
Coding change: c.1480del on transcript NM_006767.4 (MANE Select); coding-DNA position 1480, one base deleted (A; older notation c.1480delA).
Protein change: p.Arg494fs; shifts the reading frame from arginine 494.
Molecular consequence: frameshift variant.
Genome position (GRCh38, 1-based): chr22:20,994,134, A deleted. VCF-style (leftmost placement, unchanged base first): chr22-20994133-CA-C. GRCh37 (hg19) VCF-style: chr22-21348422-CA-C.
Other names: short protein forms R494fs.
Identifiers: ClinVar variation 2496786 (VCV002496786.2), dbSNP rs2518620775, ClinGen allele CA2580099185.

ClinVar aggregate classification (germline): Pathogenic (1 of 4 stars; one submission).

Conditions:
Hereditary cancer-predisposing syndrome. Also called: Neoplastic Syndromes, Hereditary; Hereditary neoplastic syndrome; Tumor predisposition; Hereditary Cancer Syndrome. Identifiers: Orphanet 140162, MedGen C0027672, MeSH D009386, MONDO:0015356.
Cardiovascular phenotype. Identifiers: MedGen CN230736.

Submission:

Ambry Genetics
Classification: Pathogenic for Cardiovascular phenotype; Hereditary cancer-predisposing syndrome. Last evaluated: 2022-12-05. Review status: criteria provided, single submitter. Criteria: Ambry Variant Classification Scheme 2023. Collection method: clinical testing. Allele origin: germline.
Comment: The c.1480delA pathogenic mutation, located in coding exon 14 of the LZTR1 gene, results from a deletion of one nucleotide at nucleotide position 1480, causing a translational frameshift with a predicted alternate stop codon (p.R494Gfs*62). This variant is considered to be rare based on population cohorts in the Genome Aggregation Database (gnomAD). This alteration is expected to result in loss of function by premature protein truncation or nonsense-mediated mRNA decay. Based on the supporting evidence, this variant is pathogenic for an increased risk of LZTR1-related schwannomatosis (SWN) and would be expected to cause autosomal recessive Noonan syndrome when present along with a second pathogenic or likely pathogenic variant on the other allele; however, the association of this alteration with autosomal dominant Noonan syndrome is unlikely.